The following is an entry in ClinVar:

ClinVar aggregate classification (germline): Uncertain significance (1 of 4 stars; one submission).

Conditions:
Pityriasis rubra pilaris (PRP). Also called: Pityriasis rubra pilaris--familial type. Identifiers: Orphanet 2897, MedGen C0032027, MONDO:0100017, OMIM 173200, MONDO:0008251.
Psoriasis 2. Identifiers: MedGen C1864497, MONDO:0011269, OMIM 602723.

Allele frequency attached by ClinVar (database versions not stated): ESP Exome Variant Server 0.00008; 1000 Genomes Project 30x 0.00016; 1000 Genomes Project 0.00020.
gnomAD v4.1: 16 of 1,613,856 alleles (0.00099%); highest among the groups gnomAD compares: East Asian, 0.0022%; no homozygotes.

Submission:

Labcorp Genetics (formerly Invitae), Labcorp
Classification: Uncertain significance for Pityriasis rubra pilaris; Psoriasis 2. Last evaluated: 2025-04-24. Review status: criteria provided, single submitter. Criteria: Invitae Variant Classification Sherloc (09022015). Collection method: clinical testing. Allele origin: germline.
Comment: This sequence change replaces glutamic acid, which is acidic and polar, with lysine, which is basic and polar, at codon 391 of the CARD14 protein (p.Glu391Lys). This variant is present in population databases (rs369150206, gnomAD 0.01%). This variant has not been reported in the literature in individuals affected with CARD14-related conditions. ClinVar contains an entry for this variant (Variation ID: 1393393). Invitae Evidence Modeling of protein sequence and biophysical properties (such as structural, functional, and spatial information, amino acid conservation, physicochemical variation, residue mobility, and thermodynamic stability) has been performed for this missense variant. However, the output from this modeling did not meet the statistical confidence thresholds required to predict the impact of this variant on CARD14 protein function. In summary, the available evidence is currently insufficient to determine the role of this variant in disease. Therefore, it has been classified as a Variant of Uncertain Significance.

NM_001366385.1(CARD14):c.1171G>A (p.Glu391Lys)

Gene: CARD14 (caspase recruitment domain family member 14; plus strand). Cytogenetic location: 17q25.3.
Variant type: single nucleotide variant.
Coding change: c.1171G>A on transcript NM_001366385.1 (MANE Select); coding-DNA position 1171, G replaced by A.
Protein change: p.Glu391Lys; replaces glutamic acid 391 with lysine.
Molecular consequence: missense variant. On other transcripts: non-coding transcript variant (1).
Genome position (GRCh38, 1-based): chr17:80,191,404, G>A. VCF-style: chr17-80191404-G-A. GRCh37 (hg19) VCF-style: chr17-78165203-G-A.
Other names: c.1171G>A, p.Glu391Lys (NM_001257970.1, NM_024110.4); c.460G>A, p.Glu154Lys (NM_052819.3); short protein forms E391K, E154K.
Identifiers: ClinVar variation 1393393 (VCV001393393.9), dbSNP rs369150206, ClinGen allele CA8816695.